The following is an entry in ClinVar:

ClinVar aggregate classification (germline): Uncertain significance (1 of 4 stars; one submission).

Conditions:
Hereditary spastic paraplegia 39 (SPG39). Also called: SPASTIC PARAPLEGIA 39, AUTOSOMAL RECESSIVE; Spastic Paraplegia Type 39 (SPG39). Identifiers: Orphanet 139480, MedGen C2677586, MONDO:0012787, OMIM 612020.

Submission:

Labcorp Genetics (formerly Invitae), Labcorp
Classification: Uncertain significance for Hereditary spastic paraplegia 39. Last evaluated: 2020-08-26. Review status: criteria provided, single submitter. Criteria: Invitae Variant Classification Sherloc (09022015). Collection method: clinical testing. Allele origin: germline.
Comment: In summary, the available evidence is currently insufficient to determine the role of this variant in disease. Therefore, it has been classified as a Variant of Uncertain Significance. This sequence change replaces proline with serine at codon 197 of the PNPLA6 protein (p.Pro197Ser). The proline residue is moderately conserved and there is a moderate physicochemical difference between proline and serine. This variant is not present in population databases (ExAC no frequency). This variant has not been reported in the literature in individuals with PNPLA6-related conditions. Algorithms developed to predict the effect of missense changes on protein structure and function (SIFT, PolyPhen-2, Align-GVGD) all suggest that this variant is likely to be tolerated, but these predictions have not been confirmed by published functional studies and their clinical significance is uncertain.

NM_001166114.2(PNPLA6):c.706C>T (p.Pro236Ser)

Gene: PNPLA6 (patatin like domain 6, lysophospholipase; plus strand). Cytogenetic location: 19p13.2.
Variant type: single nucleotide variant.
Coding change: c.706C>T on transcript NM_001166114.2 (MANE Select); coding-DNA position 706, C replaced by T.
Protein change: p.Pro236Ser; replaces proline 236 with serine.
Molecular consequence: missense variant.
Genome position (GRCh38, 1-based): chr19:7,540,300, C>T. VCF-style: chr19-7540300-C-T. GRCh37 (hg19) VCF-style: chr19-7605186-C-T.
Other names: c.733C>T, p.Pro245Ser (NM_001166111.2); c.589C>T, p.Pro197Ser (NM_001166112.2, NM_001166113.1, NM_006702.5); short protein forms P197S, P236S, P245S.
Identifiers: ClinVar variation 1020360 (VCV001020360.8), dbSNP rs2023070805, ClinGen allele CA403104835.